The following is an entry in ClinVar:

NM_000518.5(HBB):c.-81A>G

Genes: HBB (hemoglobin subunit beta; minus strand), LOC106099062 (HBB recombination region; plus strand), LOC107133510 (origin of replication at HBB; plus strand). Cytogenetic location: 11p15.4.
Variant type: single nucleotide variant.
Coding change: c.-81A>G on transcript NM_000518.5 (MANE Select); 81 bases upstream of the start codon, A replaced by G.
Genome position (GRCh38, 1-based): chr11:5,227,102, T>C on the plus strand (A>G on the coding strand, the complement: HBB is on the minus strand). VCF-style: chr11-5227102-T-C. GRCh37 (hg19) VCF-style: chr11-5248332-T-C.
Other names: -31A>G; -31 (A>G); -31A-G.
Identifiers: ClinVar variation 15466 (VCV000015466.21), dbSNP rs33981098, ClinGen allele CA125325.

ClinVar aggregate classification (germline): Pathogenic. Review status: criteria provided, multiple submitters, no conflicts (2 of 4 stars). 10 submissions from 10 submitters: Pathogenic (6). 4 of the submissions do not count toward it. Last evaluated 2026-01-27.

Conditions:
Hb SS disease (SCD). Also called: Hemoglobin SS; Sickle cell anemia; Sickle cell disease; HbS disease; Hemoglobin S Disease; Sickling disorder due to hemoglobin S. Identifiers: Orphanet 232, Orphanet 275752, MedGen C0002895, MONDO:0011382, OMIM 603903.
Heinz body anemia. Also called: Heinz body hemolytic anemia. Identifiers: Orphanet 178330, MedGen C0700299, MONDO:0007705, OMIM 140700, HP:0005511.
Dominant beta-thalassemia. Also called: Beta-thalassemia, dominant inclusion body type. Identifiers: Orphanet 231226, Orphanet 848, MedGen C1858990, MONDO:0011381, OMIM 603902.
Beta-thalassemia HBB/LCRB. Identifiers: MedGen CN322236, MONDO:0013517, OMIM 613985.
Erythrocytosis, familial, 6. Also called: POLYCYTHEMIA, BETA-GLOBIN TYPE; ERYTHROCYTOSIS, BETA-GLOBIN TYPE. Identifiers: MedGen C4693822, MONDO:0054801, OMIM 617980.
METHEMOGLOBINEMIA, BETA TYPE. Also called: Methemoglobinemia, beta-globin type. Identifiers: MedGen C1840779, OMIM 617971.
Malaria, susceptibility to. Identifiers: Orphanet 673, MedGen C1970028, MONDO:0021024, OMIM 611162.
Hereditary persistence of fetal hemoglobin. Identifiers: MedGen C0019025, MONDO:0020989, OMIM 141749.
Beta thalassemia intermedia (BTHAL-ITMD). Identifiers: Orphanet 231222, MedGen C0472767, MONDO:0016487.
beta Thalassemia (BTHAL). Also called: Cooley's anemia; Erythroblastic anemia; Mediterranean anemia. Identifiers: Orphanet 848, MedGen C0005283, MONDO:0019402. Disease mechanism: loss of function.
BETA-PLUS-THALASSEMIA. Identifiers: MedGen C3841475.

Allele frequency attached by ClinVar (database versions not stated): TOPMed below 0.00001; gnomAD exomes 0.00002.

Submissions (10):

Natera, Inc.
Classification: Pathogenic for Beta thalassemia. Last evaluated: 2026-01-27. Review status: criteria provided, single submitter. Criteria: Natera Variant Classification Schema (03/2026). Collection method: clinical testing. Allele origin: germline.
Comment: The c.-81A>G variant in HBB is a 5' untranslated region (UTR) variant located upstream of the translation start codon. This variant is rare in the general population with a frequency below the threshold expected for the associated phenotype(s). This variant has been observed in one or more individuals affected with the associated recessive disease, as either homozygous or compound heterozygous with a second variant (PMID: 2310691, 12779270, 19460936). Given the available evidence, this variant is classified as Pathogenic.

ARUP Laboratories, Molecular Genetics and Genomics, ARUP Laboratories
Classification: Pathogenic. Last evaluated: 2025-05-12. Review status: criteria provided, single submitter. Criteria: ARUP Molecular Germline Variant Investigation Process 2024. Collection method: clinical testing. Allele origin: germline.
Comment: The HBB c.-81A>G variant (also known as -31 (A->G), rs33981098, HbVar ID: 764) is reported in the literature in individuals with beta thalassemia intermedia (Takahira 1986, Panyasai 2015, HbVar database). This variant has been reported in affected individuals both in the homozygous state (Takihara 1986) and in trans to a second pathogenic HBB variant, although the compound heterozygous individual also was affected with Hb H disease (Panyasai 2015). This variant is absent from the Genome Aggregation Database (v2.1.1), indicating it is not a common polymorphism. Additionally, this variant occurs in the promoter TATA box important for transcription initiation (Giardine 2011, Takihara 1986), and assays in cultured cells indicate it causes reduced RNA production (Takihara 1986). Based on available information, this variant is considered to be pathogenic. References: Link to HbVar database: Giardine B et al. Systematic documentation and analysis of human genetic variation in hemoglobinopathies using the microattribution approach. Nat Genet. 2011. 43(4):295-301. PMID: 21423179. Panyasai S et al. Elevated Hb A2 Levels in a Patient with a Compound Heterozygosity for the (B+) -31 (A?>?G) and (B0) Codon 17 (A?>?T) Mutations Together with a Single a-Globin Gene. Hemoglobin. 2015. 39(4):292-5. PMID: 26029792. Takihara Y et al. A novel mutation in the TATA box in a Japanese patient with beta +-thalassemia. Blood. 1986. 67(2):547-50. PMID: 3002527.

Fulgent Genetics
Classification: Pathogenic for Heinz body anemia; Hereditary persistence of fetal hemoglobin; Dominant beta-thalassemia; Hb SS disease; Malaria, susceptibility to; Beta-thalassemia HBB/LCRB; METHEMOGLOBINEMIA, BETA TYPE; Erythrocytosis, familial, 6. Last evaluated: 2024-06-04. Review status: criteria provided, single submitter. Criteria: ACMG Guidelines, 2015. Collection method: clinical testing. Allele origin: germline.

Labcorp Genetics (formerly Invitae), Labcorp
Classification: Pathogenic. Last evaluated: 2024-01-26. Review status: criteria provided, single submitter. Criteria: Invitae Variant Classification Sherloc (09022015). Collection method: clinical testing. Allele origin: germline.
Comment: This variant occurs in a non-coding region of the HBB gene. It does not change the encoded amino acid sequence of the HBB protein. This variant is not present in population databases (gnomAD no frequency). This variant has been observed in individual(s) with beta thalassemia (PMID: 2634674, 3002527, 26029792). In at least one individual the data is consistent with being in trans (on the opposite chromosome) from a pathogenic variant. This variant is also known as -31A>G. ClinVar contains an entry for this variant (Variation ID: 15466). Studies have shown that this variant alters HBB gene expression (PMID: 3002527). For these reasons, this variant has been classified as Pathogenic.

Women's Health and Genetics/Laboratory Corporation of America, LabCorp
Classification: Pathogenic for Beta thalassemia intermedia. Last evaluated: 2022-11-23. Review status: criteria provided, single submitter. Criteria: LabCorp Variant Classification Summary - May 2015. Collection method: clinical testing. Allele origin: germline.
Comment: Variant summary: HBB c.-81A>G (also known as c. -31A>G) is located in the untranscribed region upstream of the HBB gene region. The variant was absent in 31390 control chromosomes (gnomAD). c.-81A>G has been reported in the literature in multiple individuals (mostly of Japanese origin) affected with Beta Thalassemia Intermedia (e.g. Takihara_1986, Hattori_1989, Ohba_1997, Fucharoen_1990). These data indicate that the variant is very likely to be associated with disease. In a functional assay, this variant resulted in reduced beta-globin RNA levels (Takihara_1986). Four clinical diagnostic laboratories have submitted clinical-significance assessments for this variant to ClinVar after 2014 and all classified the variant as pathogenic. Based on the evidence outlined above, the variant was classified as pathogenic.

Quest Diagnostics Nichols Institute San Juan Capistrano
Classification: Pathogenic. Last evaluated: 2017-04-20. Review status: criteria provided, single submitter. Criteria: Quest Diagnostics criteria. Collection method: clinical testing. Allele origin: germline.

Molecular Genetics Laboratory, BC Children's and BC Women's Hospitals
Classification: Pathogenic for beta Thalassemia. Last evaluated: 2022-05-11. Review status: no assertion criteria provided. Criteria: ACMG Guidelines, 2015. Collection method: clinical testing. Allele origin: germline. Affected: yes. Not counted in ClinVar's aggregate classification.

The ITHANET community portal, The Cyprus Institute of Neurology and Genetics
Classification: Pathogenic for beta Thalassemia. Last evaluated: 2019-11-25. Review status: no assertion criteria provided. Collection method: curation. Allele origin: germline. Not counted in ClinVar's aggregate classification.

OMIM
Classification: Pathogenic for BETA-PLUS-THALASSEMIA. Last evaluated: 1989-01-01. Review status: no assertion criteria provided. Collection method: literature only. Allele origin: germline. Not counted in ClinVar's aggregate classification.

GeneReviews
No classification provided. Condition: beta Thalassemia. Review status: no classification provided. Collection method: literature only. Allele origin: germline. Not counted in ClinVar's aggregate classification.

Literature cited by the submitters: PubMed 2310691 (cited by Natera, Inc. and Women's Health and Genetics/Laboratory Corporation of America, LabCorp); PubMed 12779270 (cited by Natera, Inc.); PubMed 19460936 (cited by Natera, Inc. and Women's Health and Genetics/Laboratory Corporation of America, LabCorp); PubMed 2634674 (cited by Labcorp Genetics (formerly Invitae), Labcorp and OMIM); PubMed 3002527 (cited by 5 submitters); PubMed 26029792 (cited by Labcorp Genetics (formerly Invitae), Labcorp and Quest Diagnostics Nichols Institute San Juan Capistrano); PubMed 9101288 (cited by Women's Health and Genetics/Laboratory Corporation of America, LabCorp); PubMed 2634667 (cited by Women's Health and Genetics/Laboratory Corporation of America, LabCorp); NCBI Bookshelf NBK1426 (cited by GeneReviews).